The following is an entry in ClinVar:

ClinVar aggregate classification (germline): Uncertain significance (1 of 4 stars; one submission).

gnomAD v4.1: 54 of 1,614,140 alleles (0.0033%); highest among the groups gnomAD compares: East Asian, 0.027%; no homozygotes.

Submission:

Labcorp Genetics (formerly Invitae), Labcorp
Classification: Uncertain significance. Last evaluated: 2024-06-22. Review status: criteria provided, single submitter. Criteria: Invitae Variant Classification Sherloc (09022015). Collection method: clinical testing. Allele origin: germline.
Comment: This sequence change replaces alanine, which is neutral and non-polar, with valine, which is neutral and non-polar, at codon 237 of the SHPK protein (p.Ala237Val). This variant is present in population databases (rs560456775, gnomAD 0.04%). This variant has not been reported in the literature in individuals affected with SHPK-related conditions. An algorithm developed to predict the effect of missense changes on protein structure and function (PolyPhen-2) suggests that this variant is likely to be tolerated. In summary, the available evidence is currently insufficient to determine the role of this variant in disease. Therefore, it has been classified as a Variant of Uncertain Significance.

NM_013276.4(SHPK):c.710C>T (p.Ala237Val)

Gene: SHPK (sedoheptulokinase; minus strand). Cytogenetic location: 17p13.2.
Variant type: single nucleotide variant.
Coding change: c.710C>T on transcript NM_013276.4 (MANE Select); coding-DNA position 710, C replaced by T.
Protein change: p.Ala237Val; replaces alanine 237 with valine.
Molecular consequence: missense variant.
Genome position (GRCh38, 1-based): chr17:3,621,350, G>A on the plus strand (C>T on the coding strand, the complement: SHPK is on the minus strand). VCF-style: chr17-3621350-G-A. GRCh37 (hg19) VCF-style: chr17-3524644-G-A.
Other names: short protein forms A237V.
Identifiers: ClinVar variation 3673093 (VCV003673093.2).
Genomic context (GRCh38, chr17:3,621,350, plus strand): 5'-AAGGCCACTCCCACCTGCGTCCCCTTTGGGATTTCAAACCACATGTGGGAAGTTCTGCCC[G>A]CCACACTGCCAGGCTCGGCGATGTCTGGGAGCAGGTGGACAGGAAAACCCGAGCTCCTCA-3'
Protein context (NP_037408.2, residues 227-247): LPDIAEPGSV[Ala237Val]GRTSHMWFEI